The following is an entry in ClinVar:

NM_000465.4(BARD1):c.839T>C (p.Leu280Ser)

Gene: BARD1 (BRCA1 associated RING domain 1; minus strand). Cytogenetic location: 2q35.
Variant type: single nucleotide variant.
Coding change: c.839T>C on transcript NM_000465.4 (MANE Select); coding-DNA position 839, T replaced by C.
Protein change: p.Leu280Ser; replaces leucine 280 with serine.
Molecular consequence: missense variant. On other transcripts: non-coding transcript variant (2), intron variant (3).
Genome position (GRCh38, 1-based): chr2:214,781,035, A>G on the plus strand (T>C on the coding strand, the complement: BARD1 is on the minus strand). VCF-style: chr2-214781035-A-G. GRCh37 (hg19) VCF-style: chr2-215645759-A-G.
Other names: c.782T>C, p.Leu261Ser (NM_001282543.2); c.158+28377T>C (NM_001282548.2); c.215+16026T>C (NM_001282545.2); c.364+11262T>C (NM_001282549.2); short protein forms L261S, L280S.
Identifiers: ClinVar variation 646708 (VCV000646708.12), dbSNP rs1574819068, ClinGen allele CA350455328.

ClinVar aggregate classification (germline): Uncertain significance. Review status: criteria provided, multiple submitters, no conflicts (2 of 4 stars). 2 submissions from 2 submitters: Uncertain significance (2). Last evaluated 2020-05-07.

Conditions:
Familial cancer of breast. Also called: hereditary breast carcinoma; Hereditary breast cancer; BREAST CANCER, FAMILIAL. Identifiers: Orphanet 227535, MedGen C0346153, MONDO:0016419, OMIM 114480. Disease mechanism: loss of function.
Hereditary cancer-predisposing syndrome. Also called: Hereditary Cancer Syndrome; Tumor predisposition; Hereditary neoplastic syndrome; Neoplastic Syndromes, Hereditary. Identifiers: Orphanet 140162, MedGen C0027672, MeSH D009386, MONDO:0015356.

Allele frequency attached by ClinVar (database versions not stated): gnomAD exomes below 0.00001.
gnomAD v4.1: 1 of 1,611,164 alleles (0.000062%); highest among the groups gnomAD compares: Non-Finnish European, 0.000085%; no homozygotes.

Submissions (2):

Ambry Genetics
Classification: Uncertain significance for Hereditary cancer-predisposing syndrome. Last evaluated: 2020-05-07. Review status: criteria provided, single submitter. Criteria: Ambry Variant Classification Scheme 2023. Collection method: clinical testing. Allele origin: germline.
Comment: The p.L280S variant (also known as c.839T>C), located in coding exon 4 of the BARD1 gene, results from a T to C substitution at nucleotide position 839. The leucine at codon 280 is replaced by serine, an amino acid with dissimilar properties. This amino acid position is well conserved in available vertebrate species. In addition, this alteration is predicted to be tolerated by in silico analysis. Since supporting evidence is limited at this time, the clinical significance of this alteration remains unclear.

Labcorp Genetics (formerly Invitae), Labcorp
Classification: Uncertain significance for Familial cancer of breast. Last evaluated: 2018-10-16. Review status: criteria provided, single submitter. Criteria: Invitae Variant Classification Sherloc (09022015). Collection method: clinical testing. Allele origin: germline.
Comment: In summary, the available evidence is currently insufficient to determine the role of this variant in disease. Therefore, it has been classified as a Variant of Uncertain Significance. Algorithms developed to predict the effect of missense changes on protein structure and function are either unavailable or do not agree on the potential impact of this missense change (SIFT: "Tolerated"; PolyPhen-2: "Possibly Damaging"; Align-GVGD: "Class C0"). This variant has not been reported in the literature in individuals with BARD1-related disease. This variant is not present in population databases (ExAC no frequency). This sequence change replaces leucine with serine at codon 280 of the BARD1 protein (p.Leu280Ser). The leucine residue is moderately conserved and there is a large physicochemical difference between leucine and serine.